The following is an entry in ClinVar:

ClinVar aggregate classification (germline): Likely benign (1 of 4 stars; one submission).

Allele frequency attached by ClinVar (database versions not stated): ExAC 0.00001; TOPMed 0.00002; gnomAD exomes 0.00004; gnomAD 0.00005; 1000 Genomes Project 30x 0.00016; 1000 Genomes Project 0.00020.
gnomAD v4.1: 64 of 1,614,094 alleles (0.004%); highest among the groups gnomAD compares: Middle Eastern, 0.033%; no homozygotes.

Submission:

CeGaT Center for Human Genetics Tuebingen
Classification: Likely benign. Last evaluated: 2023-08-01. Review status: criteria provided, single submitter. Criteria: CeGaT Center For Human Genetics Tuebingen Variant Classification Criteria Version 2. Collection method: clinical testing. Allele origin: germline. Affected: yes. Observed: 1 variant allele.
Comment: CSMD2: BP4, BP7

NM_001281956.2(CSMD2):c.3600C>T (p.Ser1200=)

Gene: CSMD2 (CUB and Sushi multiple domains 2; minus strand). Cytogenetic location: 1p35.1.
Variant type: single nucleotide variant.
Coding change: c.3600C>T on transcript NM_001281956.2 (MANE Select); coding-DNA position 3600, C replaced by T.
Protein change: p.Ser1200=; no amino-acid change (serine 1200 retained).
Molecular consequence: synonymous variant.
Genome position (GRCh38, 1-based): chr1:33,700,650, G>A on the plus strand (C>T on the coding strand, the complement: CSMD2 is on the minus strand). VCF-style: chr1-33700650-G-A. GRCh37 (hg19) VCF-style: chr1-34166250-G-A.
Other names: c.3480C>T, p.Ser1160= (NM_052896.5).
Identifiers: ClinVar variation 2638632 (VCV002638632.24), dbSNP rs144353308, ClinGen allele CA752450.
Genomic context (GRCh38, chr1:33,700,650, plus strand): 5'-TGTGCTGTTCAAAGTCACCCCCATCATCTCAGAATGGCTAAAAACTCCCAGCAAACGGGC[G>A]GAGTTGTTGTTGCCATCATAAACCTGGACACAGGAGAGACCCCCAACCCAATGTCGTCAG-3'
Protein context (NP_001268885.1, residues 1190-1210): VLKVYDGNNN[Ser1200=]ARLLGVFSHS